The following is an entry in ClinVar:

NM_000535.7(PMS2):c.1481C>T (p.Ser494Leu)

Gene: PMS2 (PMS1 homolog 2, mismatch repair system component; minus strand). Cytogenetic location: 7p22.1.
Variant type: single nucleotide variant.
Coding change: c.1481C>T on transcript NM_000535.7 (MANE Select); coding-DNA position 1481, C replaced by T.
Protein change: p.Ser494Leu; replaces serine 494 with leucine.
Molecular consequence: missense variant. On other transcripts: non-coding transcript variant (1).
Genome position (GRCh38, 1-based): chr7:5,987,284, G>A on the plus strand (C>T on the coding strand, the complement: PMS2 is on the minus strand). VCF-style: chr7-5987284-G-A. GRCh37 (hg19) VCF-style: chr7-6026915-G-A.
Other names: c.1076C>T, p.Ser359Leu (NM_001322003.2, NM_001322004.2, NM_001322005.2 and 1 more transcripts); c.1325C>T, p.Ser442Leu (NM_001322006.2); c.1163C>T, p.Ser388Leu (NM_001322007.2, NM_001322008.2); c.920C>T, p.Ser307Leu (NM_001322010.2); c.548C>T, p.Ser183Leu (NM_001322011.2, NM_001322012.2); c.908C>T, p.Ser303Leu (NM_001322013.2); c.1481C>T, p.Ser494Leu (NM_001322014.2); c.1172C>T, p.Ser391Leu (NM_001322015.2); short protein forms S494L, S183L, S359L, S388L, S391L, S442L, S303L, S307L.
Identifiers: ClinVar variation 142635 (VCV000142635.33), dbSNP rs587782602, ClinGen allele CA009752.

ClinVar aggregate classification (germline): Conflicting classifications of pathogenicity. Review status: criteria provided, conflicting classifications (1 of 4 stars). 15 submissions from 15 submitters: Uncertain significance (12); Benign (1); Likely benign (1). 1 of the submissions does not count toward it. Last evaluated 2026-01-17.

Conditions:
Mismatch repair cancer syndrome 4. Identifiers: MedGen C5436817, MONDO:0030843, OMIM 619101.
Lynch syndrome 4 (LYNCH4). Also called: Colorectal cancer, hereditary nonpolyposis, type 4; Hereditary non-polyposis colorectal cancer, type 4. Identifiers: Orphanet 144, MedGen C1838333, MONDO:0013699, OMIM 614337. Disease mechanism: loss of function.
PMS2-related disorder. Also called: PMS2-related condition.
Hereditary nonpolyposis colorectal neoplasms. Identifiers: MedGen C0009405, MeSH D003123.
Hereditary cancer-predisposing syndrome. Also called: Tumor predisposition; Neoplastic Syndromes, Hereditary; Hereditary neoplastic syndrome; Hereditary Cancer Syndrome. Identifiers: Orphanet 140162, MedGen C0027672, MeSH D009386, MONDO:0015356.
Lynch syndrome. Identifiers: Orphanet 144, MedGen C4552100, MONDO:0005835. Disease mechanism: loss of function.

Allele frequency attached by ClinVar (database versions not stated): ExAC 0.00001; gnomAD exomes 0.00001 and 0.00003.
gnomAD v4.1: 43 of 1,614,082 alleles (0.0027%); highest among the groups gnomAD compares: Middle Eastern, 0.016%; no homozygotes.

Submissions (15):

Labcorp Genetics (formerly Invitae), Labcorp
Classification: Benign for Hereditary nonpolyposis colorectal neoplasms. Last evaluated: 2026-01-17. Review status: criteria provided, single submitter. Criteria: Invitae Variant Classification Sherloc (09022015). Collection method: clinical testing. Allele origin: germline.

PreventionGenetics, part of Exact Sciences
Classification: Uncertain significance for PMS2-related condition. Last evaluated: 2025-12-18. Review status: criteria provided, single submitter. Criteria: ACMG Guidelines, 2015. Collection method: clinical testing. Allele origin: germline.
Comment: The PMS2 c.1481C>T variant is predicted to result in the amino acid substitution p.Ser494Leu. To our knowledge, this variant has not been reported in individuals affected with PMS2-related disorders in the literature. This variant is reported in 0.0099% of alleles in individuals of Ashkenazi Jewish descent in gnomAD and has conflicting interpretations in ClinVar, ranging from uncertain to likely benign (Variation ID: 142635). At this time, the clinical significance of this variant is uncertain due to the absence of conclusive functional and genetic evidence.

Molecular Pathology, Peter Maccallum Cancer Centre
Classification: Uncertain significance for Lynch syndrome 4. Last evaluated: 2025-05-23. Review status: criteria provided, single submitter. Criteria: ACMG Guidelines, 2015. Collection method: clinical testing. Allele origin: germline. Inheritance: Autosomal dominant inheritance.

Color Diagnostics, LLC DBA Color Health
Classification: Uncertain significance for Hereditary cancer-predisposing syndrome. Last evaluated: 2025-03-17. Review status: criteria provided, single submitter. Criteria: ACMG Guidelines, 2015. Collection method: clinical testing. Allele origin: germline.
Comment: This missense variant replaces serine with leucine at codon 494 of the PMS2 protein. Computational prediction suggests that this variant may not impact protein structure and function. To our knowledge, functional studies have not been reported for this variant. This variant has not been reported in individuals affected with PMS2-related disorders in the literature. This variant has been identified in 3/251430 chromosomes in the general population by the Genome Aggregation Database (gnomAD). The available evidence is insufficient to determine the role of this variant in disease conclusively. Therefore, this variant is classified as a Variant of Uncertain Significance.

Quest Diagnostics Nichols Institute San Juan Capistrano
Classification: Uncertain significance. Last evaluated: 2025-03-12. Review status: criteria provided, single submitter. Criteria: Quest Diagnostics criteria. Collection method: clinical testing. Allele origin: unknown.
Comment: The PMS2 c.1481C>T (p.Ser494Leu) variant has been reported in the published literature in a cohort of individuals undergoing PMS2 mutation screening (PMID: 39334433 (2024)), and observed in a reportedly healthy individual in a breast cancer case-control study (PMID: 33471991 (2021), see LOVD). The frequency of this variant in the general population (Genome Aggregation Database) is uninformative in the assessment of its pathogenicity. Analysis of this variant using bioinformatics tools for the prediction of the effect of amino acid changes on protein structure and function yielded predictions that this variant is benign. Based on the available information, we are unable to determine the clinical significance of this variant.

Fulgent Genetics
Classification: Uncertain significance for Lynch syndrome 4; Mismatch repair cancer syndrome 4. Last evaluated: 2024-04-01. Review status: criteria provided, single submitter. Criteria: ACMG Guidelines, 2015. Collection method: clinical testing. Allele origin: germline.

Baylor Genetics
Classification: Uncertain significance for Lynch syndrome 4. Last evaluated: 2024-02-23. Review status: criteria provided, single submitter. Criteria: ACMG Guidelines, 2015. Collection method: clinical testing. Allele origin: unknown.

All of Us Research Program, National Institutes of Health
Classification: Uncertain significance for Lynch syndrome. Last evaluated: 2024-02-05. Review status: criteria provided, single submitter. Criteria: ACMG Guidelines, 2015. Collection method: clinical testing. Allele origin: germline. Inheritance: Autosomal dominant inheritance. Observed: 15 variant alleles, 13 heterozygotes, 2 homozygotes.
Comment: This missense variant replaces serine with leucine at codon 494 of the PMS2 protein. Computational prediction suggests that this variant may not impact protein structure and function (internally defined REVEL score threshold <= 0.5, PMID: 27666373). To our knowledge, functional studies have not been reported for this variant. This variant has not been reported in individuals affected with PMS2-related disorders in the literature. This variant has been identified in 3/251430 chromosomes in the general population by the Genome Aggregation Database (gnomAD). The available evidence is insufficient to determine the role of this variant in disease conclusively. Therefore, this variant is classified as a Variant of Uncertain Significance.

This study involves interpretation of variants in research participants for the purpose of population health screening. Participant phenotype was not available at the time of variant classification. Additional details can be found in publication PMID: 35346344, PMCID: PMC8962531

Ambry Genetics
Classification: Likely benign for Hereditary cancer-predisposing syndrome. Last evaluated: 2024-01-19. Review status: criteria provided, single submitter. Criteria: Ambry Variant Classification Scheme 2023. Collection method: clinical testing. Allele origin: germline.

GeneDx
Classification: Uncertain significance. Last evaluated: 2023-10-12. Review status: criteria provided, single submitter. Criteria: GeneDx Variant Classification Process June 2021. Collection method: clinical testing. Allele origin: germline. Affected: yes.
Comment: In silico analysis supports that this missense variant does not alter protein structure/function; Has not been previously published as pathogenic or benign to our knowledge

Myriad Genetics, Inc.
Classification: Uncertain significance for Lynch syndrome 4. Last evaluated: 2023-04-04. Review status: criteria provided, single submitter. Criteria: Myriad Autosomal Dominant, Autosomal Recessive and X-Linked Classification Criteria (2023). Collection method: clinical testing. Allele origin: unknown.
Comment: This variant is classified as a variant of uncertain significance as there is insufficient evidence to determine its impact on protein function and/or cancer risk.

Sema4
Classification: Uncertain significance for Hereditary cancer-predisposing syndrome. Last evaluated: 2021-07-20. Review status: criteria provided, single submitter. Criteria: Sema4 Curation Guidelines. Collection method: curation. Allele origin: germline.
Comment: To the best of our knowledge, the PMS2 c.1481C>T (p.S494L) variant has not been reported in individuals with Lynch syndrome-related disease. It was observed in 3/251430 chromosomes in the large and broad cohorts of the Genome Aggregation Database. The variant has been reported in ClinVar (Variation ID 142635). Functional studies have not been performed, and in silico predictions of the variant's effect on protein function are inconclusive. The evidence is insufficient to meet ACMG/AMP criteria for classifying the variant as benign or pathogenic. Thus, the clinical significance of this variant is currently uncertain.

Department of Pathology and Laboratory Medicine, Sinai Health System
Classification: Uncertain significance for Mismatch repair cancer syndrome 4. Last evaluated: 2019-11-19. Review status: criteria provided, single submitter. Criteria: ACMG Guidelines, 2015. Collection method: clinical testing. Allele origin: germline. Affected: yes.

Women's Health and Genetics/Laboratory Corporation of America, LabCorp
Classification: Uncertain significance. Last evaluated: 2019-10-21. Review status: criteria provided, single submitter. Criteria: LabCorp Variant Classification Summary - May 2015. Collection method: clinical testing. Allele origin: germline.
Comment: Variant summary: PMS2 c.1481C>T (p.Ser494Leu) results in a non-conservative amino acid change in the encoded protein sequence. Three of five in-silico tools predict a benign effect of the variant on protein function. The variant allele was found at a frequency of 1.2e-05 in 251430 control chromosomes. The available data on variant occurrences in the general population are insufficient to allow any conclusion about variant significance. To our knowledge, no occurrence of c.1481C>T in individuals affected with Lynch Syndrome and no experimental evidence demonstrating its impact on protein function have been reported. Five ClinVar submissions (evaluation after 2014) cite the variant as uncertain significance. Based on the evidence outlined above, the variant was classified as uncertain significance.

Counsyl
Classification: Uncertain significance for Lynch syndrome 4. Last evaluated: 2017-07-07. Review status: no assertion criteria provided. Collection method: clinical testing. Allele origin: unknown. Not counted in ClinVar's aggregate classification.

Literature cited by the submitters: PubMed 33471991 (cited by Quest Diagnostics Nichols Institute San Juan Capistrano); PubMed 39334433 (cited by Quest Diagnostics Nichols Institute San Juan Capistrano); PubMed 31761620 (cited by Quest Diagnostics Nichols Institute San Juan Capistrano); PubMed 30787465 (cited by Quest Diagnostics Nichols Institute San Juan Capistrano); PubMed 35273153 (cited by Quest Diagnostics Nichols Institute San Juan Capistrano).